The following is an entry in ClinVar:

ClinVar aggregate classification (germline): Pathogenic/Likely pathogenic. Review status: criteria provided, multiple submitters, no conflicts (2 of 4 stars). 2 submissions from 2 submitters: Pathogenic (1); Likely pathogenic (1). Last evaluated 2025-04-23.

Conditions:
Bardet-Biedl syndrome 12 (BBS12). Identifiers: Orphanet 110, MedGen C1859570, MONDO:0014440, OMIM 615989.

Submissions (2):

Natera, Inc.
Classification: Pathogenic for Bardet-Biedl syndrome type 12. Last evaluated: 2025-04-23. Review status: criteria provided, single submitter. Criteria: Natera Variant Classification Schema (03/2026). Collection method: clinical testing. Allele origin: germline.
Comment: The c.1438delG variant in BBS12 is a frameshift variant predicted to shift the reading frame beginning at codon 480 and leads to a stop codon 3 codons downstream. This variant is expected to result in nonsense mediated decay, truncation, or a dysfunctional protein product. This variant is rare in the general population with a frequency below the threshold expected for the associated phenotype(s). This variant has been observed in one or more individuals affected with the associated recessive disease, as either homozygous or compound heterozygous with a second variant (PMID: 21209035, 20472660). Additionally, this variant has been observed to segregate in affected family members (PMID: 21209035, 20472660). Given the available evidence, this variant is classified as Pathogenic.

Fulgent Genetics
Classification: Likely pathogenic for Bardet-Biedl syndrome 12. Last evaluated: 2024-03-21. Review status: criteria provided, single submitter. Criteria: ACMG Guidelines, 2015. Collection method: clinical testing. Allele origin: germline.

Literature cited by the submitters: PubMed 21209035 (cited by Natera, Inc.); PubMed 20472660 (cited by Natera, Inc.).

NM_152618.3(BBS12):c.1438del (p.Asp480fs)

Gene: BBS12 (Bardet-Biedl syndrome 12; plus strand). Cytogenetic location: 4q27.
Variant type: Deletion.
Coding change: c.1438del on transcript NM_152618.3 (MANE Select); coding-DNA position 1438, one base deleted (G; older notation c.1438delG).
Protein change: p.Asp480fs; shifts the reading frame from aspartic acid 480.
Molecular consequence: frameshift variant.
Genome position (GRCh38, 1-based): chr4:122,743,330, G deleted; the last of 2 consecutive G bases (chr4:122,743,329-122,743,330); deleting either gives the same sequence. VCF-style (leftmost placement, unchanged base first): chr4-122743328-TG-T. GRCh37 (hg19) VCF-style: chr4-123664483-TG-T.
Other names: c.1438del, p.Asp480fs (NM_001178007.2); c.1438delG (NM_152618.2); short protein forms D480fs.
Identifiers: ClinVar variation 3589834 (VCV003589834.2).
Genomic context (GRCh38, chr4:122,743,328, plus strand): 5'-AAGTGAATGAAGATTGTGTGGGCGACGGGGTCTGCGTGACCTTCTGGAGAAGCAGCCCTT[TG>T]GATGTTGTAGATAGGAACAACAGAATCGCAATCTTATTAAAAACAGAAGGAATTAATTTG-3'